The following is an entry in ClinVar:

ClinVar aggregate classification (germline): Likely benign. Review status: criteria provided, single submitter (1 of 4 stars). 2 submissions from 2 submitters: Likely benign (1). 1 of the submissions does not count toward it. Last evaluated 2026-01-24.

Conditions:
SLC38A8-related disorder. Also called: SLC38A8-related condition.

Allele frequency attached by ClinVar (database versions not stated): gnomAD exomes 0.00087; ExAC 0.00105; gnomAD 0.00217 and 0.00224; TOPMed 0.00235; ESP Exome Variant Server 0.00277; 1000 Genomes Project 0.00379; 1000 Genomes Project 30x 0.00453.
gnomAD v4.1: 1,292 of 1,612,288 alleles (0.08%); highest among the groups gnomAD compares: African/African-American, 0.62%; 6 homozygotes.

Submissions (2):

Labcorp Genetics (formerly Invitae), Labcorp
Classification: Likely benign. Last evaluated: 2026-01-24. Review status: criteria provided, single submitter. Criteria: Invitae Variant Classification Sherloc (09022015). Collection method: clinical testing. Allele origin: germline.

PreventionGenetics, part of Exact Sciences
Classification: Likely benign for SLC38A8-related condition. Last evaluated: 2021-07-28. Review status: no assertion criteria provided. Collection method: clinical testing. Allele origin: germline. Not counted in ClinVar's aggregate classification.
Comment: This variant is classified as likely benign based on ACMG/AMP sequence variant interpretation guidelines (Richards et al. 2015 PMID: 25741868, with internal and published modifications).

NM_001080442.3(SLC38A8):c.14C>T (p.Thr5Ile)

Gene: SLC38A8 (solute carrier family 38 member 8; minus strand). Cytogenetic location: 16q23.3.
Variant type: single nucleotide variant.
Coding change: c.14C>T on transcript NM_001080442.3 (MANE Select); coding-DNA position 14, C replaced by T.
Protein change: p.Thr5Ile; replaces threonine 5 with isoleucine.
Molecular consequence: missense variant.
Genome position (GRCh38, 1-based): chr16:84,042,144, G>A on the plus strand (C>T on the coding strand, the complement: SLC38A8 is on the minus strand). VCF-style: chr16-84042144-G-A. GRCh37 (hg19) VCF-style: chr16-84075749-G-A.
Other names: short protein forms T5I.
Identifiers: ClinVar variation 709614 (VCV000709614.11), dbSNP rs73254348, ClinGen allele CA8200558.